The following is an entry in ClinVar:

NM_000138.5(FBN1):c.2686T>C (p.Cys896Arg)

Gene: FBN1 (fibrillin 1; minus strand). Cytogenetic location: 15q21.1.
Variant type: single nucleotide variant.
Coding change: c.2686T>C on transcript NM_000138.5 (MANE Select); coding-DNA position 2686, T replaced by C.
Protein change: p.Cys896Arg; replaces cysteine 896 with arginine.
Molecular consequence: missense variant.
Genome position (GRCh38, 1-based): chr15:48,494,246, A>G on the plus strand (T>C on the coding strand, the complement: FBN1 is on the minus strand). VCF-style: chr15-48494246-A-G. GRCh37 (hg19) VCF-style: chr15-48786443-A-G.
Other names: short protein forms C896R.
Identifiers: ClinVar variation 961950 (VCV000961950.9), dbSNP rs2043584517, ClinGen allele CA392331717.

ClinVar aggregate classification (germline): Pathogenic (1 of 4 stars; one submission).

Conditions:
Marfan syndrome (MFS). Also called: FBN1-Related Marfan Syndrome; MARFAN SYNDROME, TYPE I; Marfan syndrome type 1; Marfan's syndrome; Marfan syndrome, classic. Identifiers: Orphanet 284963, Orphanet 558, MedGen C0024796, MONDO:0007947, OMIM 154700.
Familial thoracic aortic aneurysm and aortic dissection (TAAD). Also called: Thoracic aortic aneurysms and dissections. Identifiers: Orphanet 91387, MedGen C4707243, MONDO:0019625.

Submission:

Labcorp Genetics (formerly Invitae), Labcorp
Classification: Pathogenic for Marfan syndrome; Familial thoracic aortic aneurysm and aortic dissection. Last evaluated: 2024-01-21. Review status: criteria provided, single submitter. Criteria: Invitae Variant Classification Sherloc (09022015). Collection method: clinical testing. Allele origin: germline.
Comment: This sequence change replaces cysteine, which is neutral and slightly polar, with arginine, which is basic and polar, at codon 896 of the FBN1 protein (p.Cys896Arg). This variant is not present in population databases (gnomAD no frequency). This missense change has been observed in individual(s) with Marfan syndrome (Invitae). ClinVar contains an entry for this variant (Variation ID: 961950). Advanced modeling of protein sequence and biophysical properties (such as structural, functional, and spatial information, amino acid conservation, physicochemical variation, residue mobility, and thermodynamic stability) performed at Invitae indicates that this missense variant is expected to disrupt FBN1 protein function with a positive predictive value of 95%. This variant affects a cysteine residue in the EGF-like, TGFBP or hybrid motif domains of FBN1. Cysteine residues are believed to be involved in intramolecular disulfide bridges and have been shown to be important for FBN1 protein structure (PMID: 16905551, 19349279). In addition, missense substitutions affecting cysteine residues within these domains are significantly overrepresented among patients with Marfan syndrome (PMID: 16571647, 17701892). This variant disrupts the p.Cys896 amino acid residue in FBN1. Other variant(s) that disrupt this residue have been observed in individuals with FBN1-related conditions (PMID: 19293843, 27906200), which suggests that this may be a clinically significant amino acid residue. For these reasons, this variant has been classified as Pathogenic.

Literature cited by the submitters: PubMed 16905551; PubMed 19349279; PubMed 16571647; PubMed 17701892; PubMed 19293843; PubMed 27906200.